The following is an entry in ClinVar:

ClinVar aggregate classification (germline): Pathogenic (1 of 4 stars; one submission).

Conditions:
Limb-girdle muscular dystrophy due to POMK deficiency. Also called: MUSCULAR DYSTROPHY-DYSTROGLYCANOPATHY, LIMB-GIRDLE, POMK-RELATED; Muscular dystrophy-dystroglycanopathy (limb-girdle), type c, 12. Identifiers: Orphanet 445110, MedGen C4015184, MONDO:0014489, OMIM 616094.
Muscular dystrophy-dystroglycanopathy (congenital with brain and eye anomalies), type a, 12 (MDDGA12). Also called: WALKER-WARBURG SYNDROME OR MUSCLE-EYE-BRAIN DISEASE, POMK-RELATED. Identifiers: Orphanet 899, MedGen C3808964, MONDO:0014101, OMIM 615249.

Submission:

Labcorp Genetics (formerly Invitae), Labcorp
Classification: Pathogenic for Muscular dystrophy-dystroglycanopathy (congenital with brain and eye anomalies), type a, 12; Limb-girdle muscular dystrophy due to POMK deficiency. Last evaluated: 2023-02-21. Review status: criteria provided, single submitter. Criteria: Invitae Variant Classification Sherloc (09022015). Collection method: clinical testing. Allele origin: germline.
Comment: For these reasons, this variant has been classified as Pathogenic. This variant disrupts a region of the POMK protein in which other variant(s) (p.Arg303*) have been determined to be pathogenic (Invitae). This suggests that this is a clinically significant region of the protein, and that variants that disrupt it are likely to be disease-causing. This variant has not been reported in the literature in individuals affected with POMK-related conditions. This variant is not present in population databases (gnomAD no frequency). This sequence change creates a premature translational stop signal (p.Val242Glyfs*30) in the POMK gene. While this is not anticipated to result in nonsense mediated decay, it is expected to disrupt the last 109 amino acid(s) of the POMK protein.

NM_032237.5(POMK):c.724dup (p.Val242fs)

Gene: POMK (protein O-mannose kinase; plus strand). Cytogenetic location: 8p11.21.
Variant type: Duplication.
Coding change: c.724dup on transcript NM_032237.5 (MANE Select); coding-DNA position 724, one base duplicated (G; older notation c.724dupG).
Protein change: p.Val242fs; shifts the reading frame from valine 242.
Molecular consequence: frameshift variant.
Genome position (GRCh38, 1-based): chr8:43,122,548, G duplicated; the last of 2 consecutive G bases (chr8:43,122,547-43,122,548); duplicating either gives the same sequence. VCF-style (leftmost placement, unchanged base first): chr8-43122546-T-TG. GRCh37 (hg19) VCF-style: chr8-42977689-T-TG.
Other names: c.724dup, p.Val242fs (NM_001277971.2); short protein forms V242fs.
Identifiers: ClinVar variation 2932937 (VCV002932937.3), dbSNP rs2486780804, ClinGen allele CA2740095018.